The following is an entry in ClinVar:

ClinVar aggregate classification (germline): Benign. Review status: criteria provided, multiple submitters, no conflicts (2 of 4 stars). 4 submissions from 3 submitters: Benign (4). Last evaluated 2019-10-21.

Conditions:
Lethal arthrogryposis-anterior horn cell disease syndrome (CAAHD). Also called: CONGENITAL ARTHROGRYPOSIS WITH ANTERIOR HORN CELL DISEASE. Identifiers: Orphanet 53696, MedGen C5193016, MONDO:0012750, OMIM 611890.
Lethal congenital contracture syndrome 1 (LCCS1). Also called: MULTIPLE CONTRACTURE SYNDROME, FINNISH TYPE. Identifiers: Orphanet 1486, MedGen C1854664, MONDO:0009670, OMIM 253310.

Allele frequency attached by ClinVar (database versions not stated): 1000 Genomes Project 30x 0.02342; 1000 Genomes Project 0.02376; TOPMed 0.05049; gnomAD 0.05325 and 0.05473; gnomAD exomes 0.06371.
gnomAD v4.1: 37,560 of 614,572 alleles (6.1%); highest among the groups gnomAD compares: Non-Finnish European, 8%; 1,460 homozygotes.

Submissions (4):

GeneDx
Classification: Benign. Last evaluated: 2019-10-21. Review status: criteria provided, single submitter. Criteria: GeneDx Variant Classification Process June 2021. Collection method: clinical testing. Allele origin: germline. Affected: yes.

Illumina Laboratory Services, Illumina
Classification: Benign for Lethal arthrogryposis-anterior horn cell disease syndrome. Last evaluated: 2018-01-13. Review status: criteria provided, single submitter. Criteria: ICSL Variant Classification Criteria 13 December 2019. Collection method: clinical testing. Allele origin: germline.
Comment: This variant was observed in the ICSL laboratory as part of a predisposition screen in an ostensibly healthy population. It had not been previously curated by ICSL or reported in the Human Gene Mutation Database (HGMD: prior to June 1st, 2018), and was therefore a candidate for classification through an automated scoring system. Utilizing variant allele frequency, disease prevalence and penetrance estimates, and inheritance mode, an automated score was calculated to assess if this variant is too frequent to cause the disease. Based on the score and internal cut-off values, a variant classified as benign is not then subjected to further curation. The score for this variant resulted in a classification of benign for this disease.

Illumina Laboratory Services, Illumina
Classification: Benign for Lethal congenital contracture syndrome 1. Last evaluated: 2018-01-13. Review status: criteria provided, single submitter. Criteria: ICSL Variant Classification Criteria 13 December 2019. Collection method: clinical testing. Allele origin: germline.
Comment: the same text as in the submission from Illumina Laboratory Services, Illumina above.

Breakthrough Genomics
Classification: Benign. Review status: criteria provided, single submitter. Criteria: ACMG Guidelines, 2015. Collection method: not provided. Allele origin: germline. Inheritance: Autosomal recessive inheritance. Affected: yes.

NM_001003722.2(GLE1):c.*181C>A

Genes: GLE1 (GLE1 RNA export mediator; plus strand), LOC101929270 (uncharacterized LOC101929270; minus strand). Cytogenetic location: 9q34.11.
Variant type: single nucleotide variant.
Coding change: c.*181C>A on transcript NM_001003722.2 (MANE Select); 181 bases downstream of the stop codon, C replaced by A.
Molecular consequence: 3 prime UTR variant.
Genome position (GRCh38, 1-based): chr9:128,541,351, C>A. VCF-style: chr9-128541351-C-A. GRCh37 (hg19) VCF-style: chr9-131303630-C-A.
Identifiers: ClinVar variation 365138 (VCV000365138.9), dbSNP rs10513496, ClinGen allele CA10632739.